The following is an entry in ClinVar:

ClinVar aggregate classification (germline): Uncertain significance (1 of 4 stars; one submission).

Submission:

GeneDx
Classification: Uncertain significance. Last evaluated: 2025-05-28. Review status: criteria provided, single submitter. Criteria: GeneDx Variant Classification Process June 2021. Collection method: clinical testing. Allele origin: germline. Affected: yes.
Comment: Not observed at significant frequency in large population cohorts (gnomAD); In silico analysis suggests that this missense variant does not alter protein structure/function; Has not been previously published as pathogenic or benign to our knowledge.

NM_017617.5(NOTCH1):c.20C>G (p.Pro7Arg)

Genes: NOTCH1 (notch receptor 1; minus strand), LOC130003020 (ATAC-STARR-seq lymphoblastoid silent region 20528; plus strand). Cytogenetic location: 9q34.3.
Variant type: single nucleotide variant.
Coding change: c.20C>G on transcript NM_017617.5 (MANE Select); coding-DNA position 20, C replaced by G.
Protein change: p.Pro7Arg; replaces proline 7 with arginine.
Molecular consequence: missense variant.
Genome position (GRCh38, 1-based): chr9:136,545,767, G>C on the plus strand (C>G on the coding strand, the complement: NOTCH1 is on the minus strand). VCF-style: chr9-136545767-G-C. GRCh37 (hg19) VCF-style: chr9-139440219-G-C.
Other names: short protein forms P7R.
Identifiers: ClinVar variation 4532652 (VCV004532652.1).